The following is an entry in ClinVar:

ClinVar aggregate classification (germline): Benign/Likely benign. Review status: criteria provided, multiple submitters, no conflicts (2 of 4 stars). 18 submissions from 18 submitters: Benign (13); Likely benign (2). 3 of the submissions do not count toward it. Last evaluated 2026-09-01.

Conditions:
Hypertrophic cardiomyopathy 26. Also called: Cardiomyopathy, familial hypertrophic, 26. Identifiers: Orphanet 75249, MedGen C4310749, MONDO:0014883, OMIM 617047.
Distal myopathy with posterior leg and anterior hand involvement. Also called: WILLIAMS DISTAL MYOPATHY. Identifiers: Orphanet 63273, MedGen C3279722, MONDO:0013550, OMIM 614065.
Myofibrillar myopathy 5. Also called: Filaminopathy (type); FILAMINOPATHY, AUTOSOMAL DOMINANT. Identifiers: Orphanet 171445, MedGen C1836050, MONDO:0012289, OMIM 609524.
Cardiovascular phenotype. Identifiers: MedGen CN230736.
Cardiomyopathy (CMYO). Also called: Cardiomyopathies. Identifiers: Orphanet 167848, MedGen C0878544, MONDO:0004994, HP:0001638. Inheritance: Various modes of inheritance.

Allele frequency attached by ClinVar (database versions not stated): 1000 Genomes Project 0.00200; 1000 Genomes Project 30x 0.00203; TOPMed 0.00589; gnomAD exomes 0.00597; ExAC 0.00629; gnomAD 0.00668 and 0.00728; ESP Exome Variant Server 0.00669.
gnomAD v4.1: 13,956 of 1,613,962 alleles (0.86%); highest among the groups gnomAD compares: Non-Finnish European, 1%; 78 homozygotes.

Submissions (18):

CeGaT Center for Human Genetics Tuebingen
Classification: Benign. Last evaluated: 2026-09-01. Review status: criteria provided, single submitter. Criteria: CeGaT Center For Human Genetics Tuebingen Variant Classification Criteria Version 2. Collection method: clinical testing. Allele origin: germline. Affected: yes. Observed: 49 variant alleles.
Comment: FLNC: BS1, BS2

Labcorp Genetics (formerly Invitae), Labcorp
Classification: Benign for Distal myopathy with posterior leg and anterior hand involvement; Myofibrillar myopathy 5; Hypertrophic cardiomyopathy 26. Last evaluated: 2026-02-04. Review status: criteria provided, single submitter. Criteria: Invitae Variant Classification Sherloc (09022015). Collection method: clinical testing. Allele origin: germline.

Molecular Diagnostic Laboratory for Inherited Cardiovascular Disease, Montreal Heart Institute
Classification: Likely benign. Last evaluated: 2025-04-09. Review status: criteria provided, single submitter. Criteria: ACMG Guidelines, 2015. Collection method: clinical testing. Allele origin: germline. Affected: no.

Blueprint Genetics
Classification: Benign. Last evaluated: 2024-11-26. Review status: criteria provided, single submitter. Criteria: ACMG Guidelines, 2015. Collection method: clinical testing. Allele origin: germline.

Athena Diagnostics
Classification: Benign. Last evaluated: 2024-05-14. Review status: criteria provided, single submitter. Criteria: Athena Diagnostics Criteria. Collection method: clinical testing. Allele origin: unknown.

ARUP Laboratories, Molecular Genetics and Genomics, ARUP Laboratories
Classification: Benign. Last evaluated: 2023-09-21. Review status: criteria provided, single submitter. Criteria: ARUP Molecular Germline Variant Investigation Process 2024. Collection method: clinical testing. Allele origin: germline.

Women's Health and Genetics/Laboratory Corporation of America, LabCorp
Classification: Likely benign. Last evaluated: 2023-07-29. Review status: criteria provided, single submitter. Criteria: LabCorp Variant Classification Summary - May 2015. Collection method: clinical testing. Allele origin: germline.

CHEO Genetics Diagnostic Laboratory, Children's Hospital of Eastern Ontario
Classification: Benign for Cardiomyopathy. Last evaluated: 2023-05-16. Review status: criteria provided, single submitter. Criteria: ACMG Guidelines, 2015. Collection method: clinical testing. Allele origin: germline.

Mayo Clinic Laboratories, Mayo Clinic
Classification: Benign. Last evaluated: 2023-02-23. Review status: criteria provided, single submitter. Criteria: ACMG Guidelines, 2015. Collection method: clinical testing. Allele origin: germline. Observed: 25 variant alleles.
Comment: BS1, BS2

Ambry Genetics
Classification: Benign for Cardiovascular phenotype. Last evaluated: 2018-12-28. Review status: criteria provided, single submitter. Criteria: Ambry Variant Classification Scheme 2023. Collection method: clinical testing. Allele origin: germline.

Genetic Services Laboratory, University of Chicago
Classification: Benign. Last evaluated: 2017-06-28. Review status: criteria provided, single submitter. Criteria: ACMG Guidelines, 2015. Collection method: clinical testing. Allele origin: germline. Affected: no.

GeneDx
Classification: Benign. Last evaluated: 2016-08-15. Review status: criteria provided, single submitter. Criteria: GeneDx Variant Classification (06012015). Collection method: clinical testing. Allele origin: germline. Affected: yes.
Comment: This variant is considered likely benign or benign based on one or more of the following criteria: it is a conservative change, it occurs at a poorly conserved position in the protein, it is predicted to be benign by multiple in silico algorithms, and/or has population frequency not consistent with disease.

Eurofins Ntd Llc (ga)
Classification: Benign. Last evaluated: 2015-06-23. Review status: criteria provided, single submitter. Criteria: EGL Classification Definitions 2015. Collection method: clinical testing. Allele origin: germline. Observed: 1 variant allele, 1 heterozygote.

Breakthrough Genomics
Classification: Benign. Review status: criteria provided, single submitter. Criteria: ACMG Guidelines, 2015. Collection method: not provided. Allele origin: germline. Inheritance: Autosomal dominant inheritance. Affected: yes.

PreventionGenetics, part of Exact Sciences
Classification: Benign. Review status: criteria provided, single submitter. Criteria: ACMG Guidelines, 2015. Collection method: clinical testing. Allele origin: germline.

Genome Diagnostics Laboratory, University Medical Center Utrecht
Classification: Benign. Review status: no assertion criteria provided. Collection method: clinical testing. Allele origin: germline. Affected: yes. Study: VKGL Data-share Consensus. Not counted in ClinVar's aggregate classification.

Joint Genome Diagnostic Labs from Nijmegen and Maastricht, Radboudumc and MUMC+
Classification: Likely benign. Review status: no assertion criteria provided. Collection method: clinical testing. Allele origin: germline. Affected: yes. Study: VKGL Data-share Consensus. Not counted in ClinVar's aggregate classification.

Laboratory of Diagnostic Genome Analysis, Leiden University Medical Center (LUMC)
Classification: Likely benign. Review status: no assertion criteria provided. Collection method: clinical testing. Allele origin: germline. Affected: yes. Study: VKGL Data-share Consensus. Not counted in ClinVar's aggregate classification.

Literature cited by the submitters: PubMed 25617006 (cited by 3 submitters); PubMed 26555887 (cited by Athena Diagnostics and Ambry Genetics); PubMed 25208129 (cited by Athena Diagnostics); PubMed 28356264 (cited by Athena Diagnostics and Ambry Genetics); PubMed 26863999 (cited by 3 submitters).

NM_001458.5(FLNC):c.3721C>T (p.Arg1241Cys)

Gene: FLNC (filamin C; plus strand). Cytogenetic location: 7q32.1.
Variant type: single nucleotide variant.
Coding change: c.3721C>T on transcript NM_001458.5 (MANE Select); coding-DNA position 3721, C replaced by T.
Protein change: p.Arg1241Cys; replaces arginine 1241 with cysteine.
Molecular consequence: missense variant.
Genome position (GRCh38, 1-based): chr7:128,845,186, C>T. VCF-style: chr7-128845186-C-T. GRCh37 (hg19) VCF-style: chr7-128485240-C-T.
Other names: p.Arg1241Cys; c.3721C>T, p.Arg1241Cys (NM_001127487.2); short protein forms R1241C.
Identifiers: ClinVar variation 258141 (VCV000258141.71), dbSNP rs146953558, ClinGen allele CA4475106.